The following continues an entry in ClinVar:

NM_004360.5(CDH1):c.2413G>A (p.Asp805Asn)

Gene: CDH1. ClinVar aggregate classification (germline): Benign. Benign (1).

Submissions 17 to 25 of 25:

Color Diagnostics, LLC DBA Color Health
Classification: Likely benign for Hereditary cancer-predisposing syndrome. Last evaluated: 2017-12-06. Review status: criteria provided, single submitter. Criteria: ACMG Guidelines, 2015. Collection method: clinical testing. Allele origin: germline. Not counted in ClinVar's aggregate classification.

Illumina Laboratory Services, Illumina
Classification: Likely benign for Hereditary diffuse gastric adenocarcinoma. Last evaluated: 2017-04-28. Review status: criteria provided, single submitter. Criteria: ICSL Variant Classification Criteria 13 December 2019. Collection method: clinical testing. Allele origin: germline. Not counted in ClinVar's aggregate classification.
Comment: This variant was observed as part of a predisposition screen in an ostensibly healthy population. A literature search was performed for the gene, cDNA change, and amino acid change (where applicable). Publications were found based on this search. The evidence from the literature, in combination with allele frequency data from public databases where available, was sufficient to determine this variant is unlikely to cause disease. Therefore, this variant is classified as likely benign.

University of Washington Department of Laboratory Medicine, University of Washington
Classification: Uncertain significance for Hereditary cancer-predisposing syndrome. Last evaluated: 2015-11-20. Review status: criteria provided, single submitter. Criteria: Shirts et al. (Genet Med 2016). Collection method: clinical testing. Allele origin: germline. Observed: 1 variant allele. Not counted in ClinVar's aggregate classification.

PreventionGenetics, part of Exact Sciences
Classification: Likely benign for CDH1-related condition. Last evaluated: 2021-12-16. Review status: no assertion criteria provided. Collection method: clinical testing. Allele origin: germline. Not counted in ClinVar's aggregate classification.
Comment: This variant is classified as likely benign based on ACMG/AMP sequence variant interpretation guidelines (Richards et al. 2015 PMID: 25741868, with internal and published modifications).

CSER _CC_NCGL, University of Washington
Classification: Uncertain significance for Hereditary diffuse gastric cancer. Last evaluated: 2016-08-15. Review status: no assertion criteria provided. Collection method: research. Allele origin: germline. Inheritance: Autosomal dominant inheritance. Study: ESP 6500 variant annotation. Not counted in ClinVar's aggregate classification.
Comment: Originally interpreted based on literature review PMID: 25637381.

Variants classified for the Actionable exomic incidental findings in 6503 participants: challenges of variant classification manuscript

ITMI
No classification provided. Condition: AllHighlyPenetrant. Last evaluated: 2013-09-19. Review status: no classification provided. Collection method: reference population. Allele origin: germline. Not counted in ClinVar's aggregate classification.
Comment: Please see associated publication for description of ethnicities

Clinical Genetics, Academic Medical Center
Classification: Likely benign. Review status: no assertion criteria provided. Collection method: clinical testing. Allele origin: germline. Affected: yes. Study: VKGL Data-share Consensus. Not counted in ClinVar's aggregate classification.

Department of Pathology and Laboratory Medicine, Sinai Health System
Classification: Likely benign for Malignant tumor of breast. Review status: no assertion criteria provided. Collection method: clinical testing. Allele origin: unknown. Affected: yes. Observed: 1 variant allele. Study: The Canadian Open Genetics Repository (COGR). Not counted in ClinVar's aggregate classification.
Comment: The CDH1 p.Asp805Asn variant was identified in 2 of 2886 proband chromosomes (frequency: 0.0007) from individuals or families with hereditary diffuse gastric cancer or Lynch syndrome and was present in 1 of 1362 control chromosomes (frequency: 0.0007) from healthy individuals (Bodian 2014, Hansford 2015, Yurgelun 2015). The variant was also identified in dbSNP (ID: rs200894246) as "With other allele", ClinVar (classified as benign by Invitae; as likely benign by GeneDx and Ambry Genetics; as uncertain significance by four submitters). The variant was identified in control databases in 63 of 276968 chromosomes at a frequency of 0.0002 increasing the likelihood this could be a low frequency benign variant (Genome Aggregation Database Feb 27, 2017). The variant was observed in the following populations: Other in 2 of 6460 chromosomes (freq: 0.0003), Latino in 13 of 34404 chromosomes (freq: 0.0004), European in 26 of 126584 chromosomes (freq: 0.0002), Ashkenazi Jewish in 21 of 10148 chromosomes (freq: 0.002), and South Asian in 1 of 30770 chromosomes (freq: 0.00003), while the variant was not observed in the African, East Asian, and Finnish, populations. One study performed in vitro functional assay (Vogelaar 2013) and found that the variant p.Asp805Asn affects E-cadherin protein function and its subcellular localization and can be considered as a pathogenic mutation however result have no additional functional work supports this claim and more over this missense variant and similar ones in this study have been found in families without a clinical phenotype suggesting that the in vitro data does not reflect the clinical impact of the variants. The p.Asp805 residue is conserved in mammals and computational analyses (PolyPhen-2, SIFT, AlignGVGD, BLOSUM, MutationTaster) provide inconsistent predictions regarding the impact to the protein; this information is not very predictive of pathogenicity. The variant occurs outside of the splicing consensus sequence and in silico or computational prediction software programs (SpliceSiteFinder, MaxEntScan, NNSPLICE, GeneSplicer) do not predict a difference in splicing. In summary, based on the above information the clinical significance of this variant cannot be determined with certainty at this time although we would lean towards a more benign role for this variant. This variant is classified as likely benign.

Genome Diagnostics Laboratory, Amsterdam University Medical Center
Classification: Benign. Review status: no assertion criteria provided. Collection method: clinical testing. Allele origin: germline. Affected: yes. Study: VKGL Data-share Consensus. Not counted in ClinVar's aggregate classification.

Literature cited by the submitters: PubMed 28767289 (cited by Quest Diagnostics Nichols Institute San Juan Capistrano and Women's Health and Genetics/Laboratory Corporation of America, LabCorp); PubMed 28135145 (cited by Quest Diagnostics Nichols Institute San Juan Capistrano and Women's Health and Genetics/Laboratory Corporation of America, LabCorp); PubMed 26845104 (cited by Quest Diagnostics Nichols Institute San Juan Capistrano and Women's Health and Genetics/Laboratory Corporation of America, LabCorp); PubMed 26601054 (cited by 3 submitters); PubMed 25862857 (cited by 3 submitters); PubMed 30745422 (cited by Quest Diagnostics Nichols Institute San Juan Capistrano); PubMed 25186627 (cited by Quest Diagnostics Nichols Institute San Juan Capistrano and Women's Health and Genetics/Laboratory Corporation of America, LabCorp); PubMed 31638429 (cited by Quest Diagnostics Nichols Institute San Juan Capistrano); PubMed 30661051 (cited by Quest Diagnostics Nichols Institute San Juan Capistrano); PubMed 23197654 (cited by 3 submitters); PubMed 25637381 (cited by 3 submitters); PubMed 24728327 (cited by 4 submitters); PubMed 36243179 (cited by Quest Diagnostics Nichols Institute San Juan Capistrano); PubMed 25980754 (cited by Quest Diagnostics Nichols Institute San Juan Capistrano and Women's Health and Genetics/Laboratory Corporation of America, LabCorp); PubMed 26182300 (cited by Quest Diagnostics Nichols Institute San Juan Capistrano and Women's Health and Genetics/Laboratory Corporation of America, LabCorp); PubMed 36436516 (cited by European Reference Network on Genetic Tumour Risk Syndromes (ERN-GENTURIS), i3s - Instituto de Investigação e Inovação em Saúde, University of Porto); PubMed 26580448 (cited by Women's Health and Genetics/Laboratory Corporation of America, LabCorp).